The following is an entry in ClinVar:

ClinVar aggregate classification (germline): Uncertain significance. Review status: criteria provided, multiple submitters, no conflicts (2 of 4 stars). 3 submissions from 3 submitters: Uncertain significance (3). Last evaluated 2024-05-20.

Conditions:
Hereditary cancer-predisposing syndrome. Also called: Neoplastic Syndromes, Hereditary; Tumor predisposition; Hereditary Cancer Syndrome; Hereditary neoplastic syndrome. Identifiers: Orphanet 140162, MedGen C0027672, MeSH D009386, MONDO:0015356.
Familial cancer of breast. Also called: BREAST CANCER, FAMILIAL; Hereditary breast cancer; hereditary breast carcinoma. Identifiers: Orphanet 227535, MedGen C0346153, MONDO:0016419, OMIM 114480. Disease mechanism: loss of function.

Submissions (3):

Ambry Genetics
Classification: Uncertain significance for Hereditary cancer-predisposing syndrome. Last evaluated: 2024-05-20. Review status: criteria provided, single submitter. Criteria: Ambry Variant Classification Scheme 2023. Collection method: clinical testing. Allele origin: germline.
Comment: The p.T476R variant (also known as c.1427C>G), located in coding exon 12 of the CHEK2 gene, results from a C to G substitution at nucleotide position 1427. The threonine at codon 476 is replaced by arginine, an amino acid with similar properties. This amino acid position is well conserved in available vertebrate species. In addition, the in silico prediction for this alteration is inconclusive. Based on the available evidence, the clinical significance of this variant remains unclear.

Labcorp Genetics (formerly Invitae), Labcorp
Classification: Uncertain significance for Familial cancer of breast. Last evaluated: 2024-03-06. Review status: criteria provided, single submitter. Criteria: Invitae Variant Classification Sherloc (09022015). Collection method: clinical testing. Allele origin: germline.
Comment: This sequence change replaces threonine, which is neutral and polar, with arginine, which is basic and polar, at codon 476 of the CHEK2 protein (p.Thr476Arg). This variant is not present in population databases (gnomAD no frequency). This variant has not been reported in the literature in individuals affected with CHEK2-related conditions. ClinVar contains an entry for this variant (Variation ID: 481706). An algorithm developed to predict the effect of missense changes on protein structure and function (PolyPhen-2) suggests that this variant is likely to be disruptive. In summary, the available evidence is currently insufficient to determine the role of this variant in disease. Therefore, it has been classified as a Variant of Uncertain Significance.

Color Diagnostics, LLC DBA Color Health
Classification: Uncertain significance for Hereditary cancer-predisposing syndrome. Last evaluated: 2019-03-18. Review status: criteria provided, single submitter. Criteria: ACMG Guidelines, 2015. Collection method: clinical testing. Allele origin: germline.

NM_007194.4(CHEK2):c.1427C>G (p.Thr476Arg)

Gene: CHEK2 (checkpoint kinase 2; minus strand). Cytogenetic location: 22q12.1.
Variant type: single nucleotide variant.
Coding change: c.1427C>G on transcript NM_007194.4 (MANE Select); coding-DNA position 1427, C replaced by G.
Protein change: p.Thr476Arg; replaces threonine 476 with arginine.
Molecular consequence: missense variant.
Genome position (GRCh38, 1-based): chr22:28,694,066, G>C on the plus strand (C>G on the coding strand, the complement: CHEK2 is on the minus strand). VCF-style: chr22-28694066-G-C. GRCh37 (hg19) VCF-style: chr22-29090054-G-C.
Other names: c.1556C>G, p.Thr519Arg (NM_001005735.3); c.764C>G, p.Thr255Arg (NM_001257387.3); c.1226C>G, p.Thr409Arg (NM_001349956.3); c.1340C>G, p.Thr447Arg (NM_145862.3); short protein forms T476R, T409R, T447R, T519R, T255R.
Identifiers: ClinVar variation 481706 (VCV000481706.20), dbSNP rs142763740, ClinGen allele CA411094244.